The following continues an entry in ClinVar:

NM_004004.6(GJB2):c.428G>A (p.Arg143Gln)

Gene: GJB2. ClinVar aggregate classification (germline): Pathogenic/Likely pathogenic. Pathogenic (7); Likely pathogenic (4).

Submissions 8 to 17 of 17:

Blueprint Genetics
Classification: Pathogenic for GJB2-related disorders. Last evaluated: 2023-03-30. Review status: criteria provided, single submitter. Criteria: ACMG Guidelines, 2015. Collection method: clinical testing. Allele origin: germline. Affected: yes. Observed: 1 variant allele.

Genetics and Molecular Pathology, SA Pathology
Classification: Pathogenic for Autosomal recessive nonsyndromic hearing loss 1A. Last evaluated: 2021-02-19. Review status: criteria provided, single submitter. Criteria: ACMG Guidelines, 2015. Collection method: clinical testing. Allele origin: germline. Inheritance: Autosomal dominant inheritance. Affected: yes.
Comment: The c.428G>A variant is classified as a PATHOGENIC variant (PS2, PS3, PS4, PP3, PP5) This variant is a single nucleotide change from a guanine to a adenine at position 428 which is predicted to change the arginine at position 143 to glutamine. The variant is in exon 2 and is located in Connexin protein domain of the GJB2 gene. The variant has been reported in the heterozygous state in multiple individuals, and in several families segregating with high frequency hearing loss, indicating a dominant effect of this mutation in hearing loss. This variant cam also results in severe hearing loss when present in the compound heterozygous state (PMID: 11313763, 23856378, 22991996). The variant is in dbSNP (rs104894401) but is absent from population databases (PS4). Functional studies have shownthat this variant can inhibit the transfer of calcein in cells stably expressing the gap junction protein connexin 26 (Cx26), demonstrating that the dominant negative effect of this variant on wild type Cx26 (PMID: 21040787) (PS3). The variant has been reported in ClinVar (Variation ID: 17017) and HGMD (Accession: CM010311) as pathogenic (PP5). Computational predictions support a deleterious effect on the gene or gene product (PP3).

Eurofins Ntd Llc (ga)
Classification: Pathogenic. Last evaluated: 2016-12-08. Review status: criteria provided, single submitter. Criteria: EGL Classification Definitions 2015. Collection method: clinical testing. Allele origin: germline. Observed: 1 variant allele, 1 heterozygote.

Baylor-Hopkins Center for Mendelian Genomics, Johns Hopkins University School of Medicine
Classification: Likely pathogenic for Autosomal dominant nonsyndromic hearing loss 3A. Review status: criteria provided, single submitter. Criteria: ACMG Guidelines, 2015. Collection method: research. Allele origin: germline. Affected: yes. Observed: 2 variant alleles, 2 heterozygotes.
Comment: This variant was present (heterozygous) in 2 individuals in the family who have the condition. Another GJB variant NM_004004.6: c.368C>A was present in one but not both individuals with the condition.

Natera, Inc.
Classification: Pathogenic for Autosomal recessive deafness type 1A. Last evaluated: 2020-09-16. Review status: no assertion criteria provided. Collection method: clinical testing. Allele origin: germline. Not counted in ClinVar's aggregate classification.

Counsyl
Classification: Likely pathogenic for Autosomal recessive nonsyndromic hearing loss 1A. Last evaluated: 2016-01-28. Review status: no assertion criteria provided. Collection method: clinical testing. Allele origin: unknown. Not counted in ClinVar's aggregate classification.

Counsyl
Classification: Likely pathogenic for Autosomal dominant nonsyndromic hearing loss 3A. Last evaluated: 2016-01-28. Review status: no assertion criteria provided. Collection method: clinical testing. Allele origin: unknown. Not counted in ClinVar's aggregate classification.

OMIM
Classification: Pathogenic for DEAFNESS, AUTOSOMAL DOMINANT 3A. Last evaluated: 2001-03-01. Review status: no assertion criteria provided. Collection method: literature only. Allele origin: germline. Not counted in ClinVar's aggregate classification.

OMIM
Classification: Pathogenic for DEAFNESS, AUTOSOMAL RECESSIVE 1A. Last evaluated: 2001-03-01. Review status: no assertion criteria provided. Collection method: literature only. Allele origin: germline. Not counted in ClinVar's aggregate classification.

GeneReviews
No classification provided. Condition: Autosomal dominant nonsyndromic hearing loss 3A. Review status: no classification provided. Collection method: literature only. Allele origin: germline. Not counted in ClinVar's aggregate classification.

Literature cited by the submitters: PubMed 20096356 (cited by 4 submitters); PubMed 21040787 (cited by 5 submitters); PubMed 17567887 (cited by Otogenetics and Counsyl); PubMed 19715472 (cited by 4 submitters); PubMed 22991996 (cited by 5 submitters); PubMed 24529908 (cited by Otogenetics); PubMed 26397989 (cited by Otogenetics and Counsyl); PubMed 31379920 (cited by Otogenetics and Labcorp Genetics (formerly Invitae), Labcorp); PubMed 17666888 (cited by 3 submitters); PubMed 38730444 (cited by Otogenetics); PubMed 12189487 (cited by Women's Health and Genetics/Laboratory Corporation of America, LabCorp); PubMed 11313763 (cited by 5 submitters); PubMed 24372583 (cited by Women's Health and Genetics/Laboratory Corporation of America, LabCorp); PubMed 25752103 (cited by Labcorp Genetics (formerly Invitae), Labcorp); PubMed 9393973 (cited by Labcorp Genetics (formerly Invitae), Labcorp); PubMed 15235031 (cited by Labcorp Genetics (formerly Invitae), Labcorp); PubMed 15365987 (cited by Labcorp Genetics (formerly Invitae), Labcorp); PubMed 15617546 (cited by Labcorp Genetics (formerly Invitae), Labcorp); PubMed 18941476 (cited by Labcorp Genetics (formerly Invitae), Labcorp); PubMed 23856378 (cited by Genetics and Molecular Pathology, SA Pathology and Counsyl); PubMed 17485979 (cited by Counsyl); PubMed 16931589 (cited by Counsyl); PubMed 11438992 (cited by Counsyl); NCBI Bookshelf NBK1536 (cited by GeneReviews).